The following is an entry in ClinVar:

ClinVar aggregate classification (germline): Uncertain significance (1 of 4 stars; one submission).

Conditions:
Seizures, benign familial infantile, 3 (BFIS3). Also called: CONVULSIONS, BENIGN FAMILIAL INFANTILE, 3; Familial neonatal seizures. Identifiers: Orphanet 140927, Orphanet 306, MedGen C1843140, MONDO:0011904, OMIM 607745.
Developmental and epileptic encephalopathy, 11 (DEE11). Also called: Early infantile epileptic encephalopathy 11. Identifiers: Orphanet 1934, MedGen C3150987, MONDO:0013388, OMIM 613721.

Submission:

Labcorp Genetics (formerly Invitae), Labcorp
Classification: Uncertain significance for Seizures, benign familial infantile, 3; Developmental and epileptic encephalopathy, 11. Last evaluated: 2022-06-22. Review status: criteria provided, single submitter. Criteria: Invitae Variant Classification Sherloc (09022015). Collection method: clinical testing. Allele origin: germline.
Comment: This sequence change replaces valine, which is neutral and non-polar, with glutamic acid, which is acidic and polar, at codon 634 of the SCN2A protein (p.Val634Glu). This variant is not present in population databases (gnomAD no frequency). This variant has not been reported in the literature in individuals affected with SCN2A-related conditions. Algorithms developed to predict the effect of missense changes on protein structure and function are either unavailable or do not agree on the potential impact of this missense change (SIFT: "Deleterious"; PolyPhen-2: "Benign"; Align-GVGD: "Class C0"). In summary, the available evidence is currently insufficient to determine the role of this variant in disease. Therefore, it has been classified as a Variant of Uncertain Significance.

NM_001040142.2(SCN2A):c.1901T>A (p.Val634Glu)

Gene: SCN2A (sodium voltage-gated channel alpha subunit 2; plus strand). Cytogenetic location: 2q24.3.
Variant type: single nucleotide variant.
Coding change: c.1901T>A on transcript NM_001040142.2 (MANE Select); coding-DNA position 1901, T replaced by A.
Protein change: p.Val634Glu; replaces valine 634 with glutamic acid.
Molecular consequence: missense variant.
Genome position (GRCh38, 1-based): chr2:165,323,385, T>A. VCF-style: chr2-165323385-T-A. GRCh37 (hg19) VCF-style: chr2-166179895-T-A.
Other names: c.1901T>A, p.Val634Glu (NM_001040143.2, NM_001371246.1, NM_001371247.1 and 1 more transcripts); short protein forms V634E.
Identifiers: ClinVar variation 2009300 (VCV002009300.4), dbSNP rs756119996, ClinGen allele CA349027345.